The following is an entry in ClinVar:

ClinVar aggregate classification (germline): Uncertain significance (1 of 4 stars; one submission).

Conditions:
Duchenne muscular dystrophy (DMD). Also called: MUSCULAR DYSTROPHY, PSEUDOHYPERTROPHIC PROGRESSIVE, DUCHENNE TYPE; Duchenne Muscular Dystrophy (DMD). Identifiers: Orphanet 98896, MedGen C0013264, MONDO:0010679, OMIM 310200.

Submission:

Labcorp Genetics (formerly Invitae), Labcorp
Classification: Uncertain significance for Duchenne muscular dystrophy. Last evaluated: 2022-06-07. Review status: criteria provided, single submitter. Criteria: Invitae Variant Classification Sherloc (09022015). Collection method: clinical testing. Allele origin: germline.
Comment: This sequence change replaces glycine, which is neutral and non-polar, with arginine, which is basic and polar, at codon 3189 of the DMD protein (p.Gly3189Arg). This variant is not present in population databases (gnomAD no frequency). This variant has not been reported in the literature in individuals affected with DMD-related conditions. Algorithms developed to predict the effect of missense changes on protein structure and function are either unavailable or do not agree on the potential impact of this missense change (SIFT: "Tolerated"; PolyPhen-2: "Probably Damaging"; Align-GVGD: "Class C0"). In summary, the available evidence is currently insufficient to determine the role of this variant in disease. Therefore, it has been classified as a Variant of Uncertain Significance.

NM_004006.3(DMD):c.9565G>A (p.Gly3189Arg)

Gene: DMD (dystrophin; minus strand). Cytogenetic location: Xp21.2.
Variant type: single nucleotide variant.
Coding change: c.9565G>A on transcript NM_004006.3 (MANE Select); coding-DNA position 9565, G replaced by A.
Protein change: p.Gly3189Arg; replaces glycine 3189 with arginine.
Molecular consequence: missense variant.
Genome position (GRCh38, 1-based): chrX:31,206,666, C>T on the plus strand (G>A on the coding strand, the complement: DMD is on the minus strand). VCF-style: chrX-31206666-C-T. GRCh37 (hg19) VCF-style: chrX-31224783-C-T.
Other names: c.9541G>A, p.Gly3181Arg (NM_000109.4); c.9553G>A, p.Gly3185Arg (NM_004009.3); c.9196G>A, p.Gly3066Arg (NM_004010.3); c.5542G>A, p.Gly1848Arg (NM_004011.4); c.5533G>A, p.Gly1845Arg (NM_004012.4); c.2185G>A, p.Gly729Arg (NM_004013.3, NM_004020.4, NM_004021.3 and 2 more transcripts); c.1378G>A, p.Gly460Arg (NM_004014.3); c.361G>A, p.Gly121Arg (NM_004015.3, NM_004016.3, NM_004017.3 and 2 more transcripts); short protein forms G1848R, G121R, G3189R, G1845R, G3066R, G3181R, G729R, G3185R.
Identifiers: ClinVar variation 2112521 (VCV002112521.4), dbSNP rs2521257167, ClinGen allele CA412649637.